The following is an entry in ClinVar:

NM_000815.5(GABRD):c.590C>T (p.Ser197Leu)

Gene: GABRD (gamma-aminobutyric acid type A receptor subunit delta; plus strand). Cytogenetic location: 1p36.33.
Variant type: single nucleotide variant.
Coding change: c.590C>T on transcript NM_000815.5 (MANE Select); coding-DNA position 590, C replaced by T.
Protein change: p.Ser197Leu; replaces serine 197 with leucine.
Molecular consequence: missense variant.
Genome position (GRCh38, 1-based): chr1:2,028,191, C>T. VCF-style: chr1-2028191-C-T. GRCh37 (hg19) VCF-style: chr1-1959630-C-T.
Other names: short protein forms S197L.
Identifiers: ClinVar variation 1053139 (VCV001053139.9), dbSNP rs750394202, ClinGen allele CA534723.
Genomic context (GRCh38, chr1:2,028,191, plus strand): 5'-CCCACCTGTGTGCTTTTCCTCCAGACGGTTACTCATCGGAGGACATCGTCTACTACTGGT[C>T]GGAGAGCCAGGAGCACATCCACGGGCTGGACAAGCTGCAGCTGGCGCAGTTCACCATCAC-3'
Protein context (NP_000806.2, residues 187-207): YSSEDIVYYW[Ser197Leu]ESQEHIHGLD

ClinVar aggregate classification (germline): Uncertain significance (1 of 4 stars; one submission).

Conditions:
Idiopathic generalized epilepsy. Also called: EIG; Generalised epilepsy. Identifiers: MedGen C0270850, MONDO:0005579, OMIM 600669.

Allele frequency attached by ClinVar (database versions not stated): gnomAD exomes below 0.00001 and 0.00001; ExAC 0.00001; gnomAD 0.00001.

Submission:

Labcorp Genetics (formerly Invitae), Labcorp
Classification: Uncertain significance for Idiopathic generalized epilepsy. Last evaluated: 2024-06-15. Review status: criteria provided, single submitter. Criteria: Invitae Variant Classification Sherloc (09022015). Collection method: clinical testing. Allele origin: germline.
Comment: This sequence change replaces serine, which is neutral and polar, with leucine, which is neutral and non-polar, at codon 197 of the GABRD protein (p.Ser197Leu). This variant is present in population databases (rs750394202, gnomAD 0.003%). This variant has not been reported in the literature in individuals affected with GABRD-related conditions. ClinVar contains an entry for this variant (Variation ID: 1053139). An algorithm developed to predict the effect of missense changes on protein structure and function (PolyPhen-2) suggests that this variant is likely to be disruptive. In summary, the available evidence is currently insufficient to determine the role of this variant in disease. Therefore, it has been classified as a Variant of Uncertain Significance.